The following is an entry in ClinVar:

ClinVar aggregate classification (germline): Uncertain significance (1 of 4 stars; one submission).

Conditions:
Intellectual developmental disorder, X-linked, syndromic 37. Identifiers: MedGen C5935567, MONDO:0958322, OMIM 301118.

Submission:

Victorian Clinical Genetics Services, Murdoch Childrens Research Institute
Classification: Uncertain significance for Intellectual developmental disorder, X-linked, syndromic 37. Last evaluated: 2026-06-04. Review status: criteria provided, single submitter. Criteria: ACMG Guidelines, 2015. Collection method: clinical testing. Allele origin: germline. Affected: yes.
Comment: This variant is classified as VUS-3B. Evidence in support of pathogenic classification: Variant is absent from gnomAD (v2, v3 and v4). Evidence in support of benign classification: Missense variant predicted to be tolerated by in silico tool(s) or not conserved in placental mammals with a minor amino acid change. Additional information: Variant is predicted to result in a missense amino acid change from Val to Ala; This gene is associated with X-linked disease; This variant has no previous evidence of pathogenicity; Segregation evidence for this variant is inconclusive. No published functional evidence has been identified for this variant; No comparable missense variants have previous evidence for pathogenicity; Variant is located in the annotated Zfx_Zfy_act domain (DECIPHER); The mechanism of disease for this gene is not clearly established. The same missense variants were observed to have both loss- and gain of function effects, so it is unclear which mechanism is responsible for disease. These variants had reduced DNA binding and expression across a number of genes normally targeted by this transcription factor, and also increased binding to and expression of some genes not affected by wild type ZFX (PMID: 38325380); Variants in this gene are known to have variable expressivity in heterozygous females (PMID: 41074764).

Literature cited by the submitters: PubMed 38325380; PubMed 41074764.

NM_003410.4(ZFX):c.815T>C (p.Val272Ala)

Gene: ZFX (zinc finger protein X-linked; plus strand). Cytogenetic location: Xp22.11.
Variant type: single nucleotide variant.
Coding change: c.815T>C on transcript NM_003410.4 (MANE Select); coding-DNA position 815, T replaced by C.
Protein change: p.Val272Ala; replaces valine 272 with alanine.
Molecular consequence: missense variant.
Genome position (GRCh38, 1-based): chrX:24,207,730, T>C. VCF-style: chrX-24207730-T-C. GRCh37 (hg19) VCF-style: chrX-24225847-T-C.
Other names: c.815T>C, p.Val272Ala (NM_001178084.2, NM_001178085.1, NM_001178095.2); c.128T>C, p.Val43Ala (NM_001178086.2); c.932T>C, p.Val311Ala (NM_001330327.2); short protein forms V272A, V311A, V43A.
Identifiers: ClinVar variation 4879775 (VCV004879775.1).